The following is an entry in ClinVar:

NM_018026.4(PACS1):c.2139C>T (p.Tyr713=)

Gene: PACS1 (phosphofurin acidic cluster sorting protein 1; plus strand). Cytogenetic location: 11q13.2.
Variant type: single nucleotide variant.
Coding change: c.2139C>T on transcript NM_018026.4 (MANE Select); coding-DNA position 2139, C replaced by T.
Protein change: p.Tyr713=; no amino-acid change (tyrosine 713 retained).
Molecular consequence: synonymous variant.
Genome position (GRCh38, 1-based): chr11:66,235,335, C>T. VCF-style: chr11-66235335-C-T. GRCh37 (hg19) VCF-style: chr11-66002806-C-T.
Identifiers: ClinVar variation 211814 (VCV000211814.42), dbSNP rs61736585, ClinGen allele CA206268.

ClinVar aggregate classification (germline): Conflicting classifications of pathogenicity. Review status: criteria provided, conflicting classifications (1 of 4 stars). 7 submissions from 7 submitters: Uncertain significance (1); Benign (3); Likely benign (2). 1 of the submissions does not count toward it. Last evaluated 2025-12-26.

Conditions:
PACS1-related disorder. Also called: PACS1-related condition.
Schuurs-Hoeijmakers syndrome. Also called: PACS1-Related Neurodevelopmental Disorder. Identifiers: Orphanet 329224, MedGen C3554343, MONDO:0014006, OMIM 615009.
Inborn genetic diseases. Identifiers: MedGen C0950123, MeSH D030342.

Allele frequency attached by ClinVar (database versions not stated): gnomAD exomes 0.00007 and 0.00017; ExAC 0.00022; TOPMed 0.00050; gnomAD 0.00060; ESP Exome Variant Server 0.00062; 1000 Genomes Project 30x 0.00109; 1000 Genomes Project 0.00120.
gnomAD v4.1: 200 of 1,613,956 alleles (0.012%); highest among the groups gnomAD compares: African/African-American, 0.18%; no homozygotes.

Submissions (7):

Labcorp Genetics (formerly Invitae), Labcorp
Classification: Benign for Schuurs-Hoeijmakers syndrome. Last evaluated: 2025-12-26. Review status: criteria provided, single submitter. Criteria: Invitae Variant Classification Sherloc (09022015). Collection method: clinical testing. Allele origin: germline.

CeGaT Center for Human Genetics Tuebingen
Classification: Likely benign. Last evaluated: 2025-11-01. Review status: criteria provided, single submitter. Criteria: CeGaT Center For Human Genetics Tuebingen Variant Classification Criteria Version 2. Collection method: clinical testing. Allele origin: germline. Affected: yes. Observed: 2 variant alleles.
Comment: PACS1: BP4, BP7

Blueprint Genetics
Classification: Likely benign. Last evaluated: 2024-11-01. Review status: criteria provided, single submitter. Criteria: ACMG Guidelines, 2015. Collection method: clinical testing. Allele origin: germline.

GeneDx
Classification: Benign. Last evaluated: 2021-05-05. Review status: criteria provided, single submitter. Criteria: GeneDx Variant Classification Process June 2021. Collection method: clinical testing. Allele origin: germline. Affected: yes.

Ambry Genetics
Classification: Benign for Inborn genetic diseases. Last evaluated: 2018-11-29. Review status: criteria provided, single submitter. Criteria: Ambry Variant Classification Scheme 2023. Collection method: clinical testing. Allele origin: germline.

Genetic Services Laboratory, University of Chicago
Classification: Uncertain significance. Last evaluated: 2014-09-11. Review status: criteria provided, single submitter. Criteria: ACMG Guidelines, 2015. Collection method: clinical testing. Allele origin: germline.

PreventionGenetics, part of Exact Sciences
Classification: Likely benign for PACS1-related condition. Last evaluated: 2024-01-23. Review status: no assertion criteria provided. Collection method: clinical testing. Allele origin: germline. Not counted in ClinVar's aggregate classification.
Comment: This variant is classified as likely benign based on ACMG/AMP sequence variant interpretation guidelines (Richards et al. 2015 PMID: 25741868, with internal and published modifications).